The following is an entry in ClinVar:

ClinVar aggregate classification (germline): Benign (1 of 4 stars; one submission).

Allele frequency attached by ClinVar (database versions not stated): 1000 Genomes Project 30x 0.61196; 1000 Genomes Project 0.62021; gnomAD 0.64286 and 0.65001; gnomAD exomes 0.76795.

Submission:

GeneDx
Classification: Benign. Last evaluated: 2018-06-16. Review status: criteria provided, single submitter. Criteria: GeneDx Variant Classification (06012015). Collection method: clinical testing. Allele origin: germline. Affected: yes.
Comment: This variant is considered likely benign or benign based on one or more of the following criteria: it is a conservative change, it occurs at a poorly conserved position in the protein, it is predicted to be benign by multiple in silico algorithms, and/or has population frequency not consistent with disease.

NM_024596.5(MCPH1):c.233+137del

Gene: MCPH1 (microcephalin 1; plus strand). Cytogenetic location: 8p23.1.
Variant type: Deletion.
Coding change: c.233+137del on transcript NM_024596.5 (MANE Select); 137 bases into the intron after coding-DNA position 233, one base deleted (G; older notation c.233+137delG).
Molecular consequence: intron variant.
Genome position (GRCh38, 1-based): chr8:6,415,020, G deleted. VCF-style (leftmost placement, unchanged base first): chr8-6415019-TG-T. GRCh37 (hg19) VCF-style: chr8-6272540-TG-T.
Other names: c.233+137del (NM_001322042.2, NM_001363980.2, NM_001363979.1 and 2 more transcripts); c.227+137del (NM_001322043.2); c.131+137del (NM_001322045.2).
Identifiers: ClinVar variation 683149 (VCV000683149.1), dbSNP rs3214738, ClinGen allele CA171365239.